The following is an entry in ClinVar:

NM_000257.4(MYH7):c.2588T>C (p.Leu863Pro)

Genes: MYH7 (myosin heavy chain 7; minus strand), LOC126861898 (BRD4-independent group 4 enhancer GRCh37_chr14:23893609-23894808; plus strand). Cytogenetic location: 14q11.2.
Variant type: single nucleotide variant.
Coding change: c.2588T>C on transcript NM_000257.4 (MANE Select); coding-DNA position 2588, T replaced by C.
Protein change: p.Leu863Pro; replaces leucine 863 with proline.
Molecular consequence: missense variant.
Genome position (GRCh38, 1-based): chr14:23,424,860, A>G on the plus strand (T>C on the coding strand, the complement: MYH7 is on the minus strand). VCF-style: chr14-23424860-A-G. GRCh37 (hg19) VCF-style: chr14-23894069-A-G.
Other names: c.2588T>C, p.Leu863Pro (NM_001407004.1); short protein forms L863P.
Identifiers: ClinVar variation 2009687 (VCV002009687.4), dbSNP rs1892629819, ClinGen allele CA389048078.
Genomic context (GRCh38, chr14:23,424,860, plus strand): 5'-TCCTGCAGCAGGGACACCATCTTCTCCTCCAGCTCCTTGCGGCGAGCCTCGGACTTCTCT[A>G]GCGCCTCTTTGAGGCGTGTGAACTCCTCCTTCATGGAGGCCATCTCCTTCTCTCTTTCTG-3'
Protein context (NP_000248.2, residues 853-873): KEEFTRLKEA[Leu863Pro]EKSEARRKEL

ClinVar aggregate classification (germline): Uncertain significance (1 of 4 stars; one submission).

Conditions:
Hypertrophic cardiomyopathy. Also called: HYPERTROPHIC MYOCARDIOPATHY. Identifiers: Orphanet 217569, MedGen C0007194, MeSH D002312, MONDO:0005045, HP:0001639.

Submission:

Labcorp Genetics (formerly Invitae), Labcorp
Classification: Uncertain significance for Hypertrophic cardiomyopathy. Last evaluated: 2022-06-23. Review status: criteria provided, single submitter. Criteria: Invitae Variant Classification Sherloc (09022015). Collection method: clinical testing. Allele origin: germline.
Comment: Algorithms developed to predict the effect of missense changes on protein structure and function (SIFT, PolyPhen-2, Align-GVGD) all suggest that this variant is likely to be disruptive. This sequence change replaces leucine, which is neutral and non-polar, with proline, which is neutral and non-polar, at codon 863 of the MYH7 protein (p.Leu863Pro). This variant is not present in population databases (gnomAD no frequency). This variant has not been reported in the literature in individuals affected with MYH7-related conditions. This variant is found within a region of MYH7 between codons 181 and 937 that contains the majority of the myosin head domain. Missense variants in this region have been shown to be significantly overrepresented in individuals with hypertrophic cardiomyopathy (PMID: 27532257). In summary, the available evidence is currently insufficient to determine the role of this variant in disease. Therefore, it has been classified as a Variant of Uncertain Significance.

Literature cited by the submitters: PubMed 27532257.